The following is an entry in ClinVar:

ClinVar aggregate classification (germline): Likely pathogenic. Review status: criteria provided, multiple submitters, no conflicts (2 of 4 stars). 3 submissions from 3 submitters: Likely pathogenic (2). 1 of the submissions does not count toward it. Last evaluated 2022-04-01.

Conditions:
GPR143-related disorders.

Submissions (3):

CeGaT Center for Human Genetics Tuebingen
Classification: Likely pathogenic. Last evaluated: 2022-04-01. Review status: criteria provided, single submitter. Criteria: CeGaT Center For Human Genetics Tuebingen Variant Classification Criteria Version 2. Collection method: clinical testing. Allele origin: germline. Affected: yes. Observed: 1 variant allele.
Comment: GPR143: PM2, PS4:Moderate, PP3, PP4

Blueprint Genetics
Classification: Likely pathogenic for GPR143-related disorders. Last evaluated: 2020-02-06. Review status: criteria provided, single submitter. Criteria: ACMG Guidelines, 2015. Collection method: clinical testing. Allele origin: germline. Affected: yes. Observed: 1 variant allele.

Retina International
No classification provided. Review status: no classification provided. Collection method: not provided. Allele origin: not provided. Not counted in ClinVar's aggregate classification.

NM_000273.3(GPR143):c.360+5G>C

Gene: GPR143 (G protein-coupled receptor 143; minus strand). Cytogenetic location: Xp22.2.
Variant type: single nucleotide variant.
Coding change: c.360+5G>C on transcript NM_000273.3 (MANE Select); 5 bases into the intron after coding-DNA position 360, G replaced by C.
Molecular consequence: intron variant.
Genome position (GRCh38, 1-based): chrX:9,760,712, C>G on the plus strand (G>C on the coding strand, the complement: GPR143 is on the minus strand). VCF-style: chrX-9760712-C-G. GRCh37 (hg19) VCF-style: chrX-9728752-C-G.
Identifiers: ClinVar variation 98630 (VCV000098630.33), dbSNP rs281865179, ClinGen allele CA226177.